The following is an entry in ClinVar:

NM_001384474.1(LOXHD1):c.1562A>G (p.Asn521Ser)

Gene: LOXHD1 (lipoxygenase homology PLAT domains 1; minus strand). Cytogenetic location: 18q21.1.
Variant type: single nucleotide variant.
Coding change: c.1562A>G on transcript NM_001384474.1 (MANE Select); coding-DNA position 1562, A replaced by G.
Protein change: p.Asn521Ser; replaces asparagine 521 with serine.
Molecular consequence: missense variant.
Genome position (GRCh38, 1-based): chr18:46,592,025, T>C on the plus strand (A>G on the coding strand, the complement: LOXHD1 is on the minus strand). VCF-style: chr18-46592025-T-C. GRCh37 (hg19) VCF-style: chr18-44171988-T-C.
Other names: p.Asn521Ser; c.1562A>G, p.Asn521Ser (NM_144612.7); short protein forms N521S.
Identifiers: ClinVar variation 1437596 (VCV001437596.8), dbSNP rs556312555, ClinGen allele CA8952781.

ClinVar aggregate classification (germline): Uncertain significance. Review status: criteria provided, multiple submitters, no conflicts (2 of 4 stars). 4 submissions from 4 submitters: Uncertain significance (4). Last evaluated 2025-07-01.

Conditions:
Autosomal recessive nonsyndromic hearing loss 77. Identifiers: Orphanet 90636, MedGen C2746083, MONDO:0013119, OMIM 613079.

Allele frequency attached by ClinVar (database versions not stated): gnomAD 0.00002 and 0.00004; ExAC 0.00004; gnomAD exomes 0.00005 and 0.00008; TOPMed 0.00005.
gnomAD v4.1: 71 of 1,552,158 alleles (0.0046%); highest among the groups gnomAD compares: Middle Eastern, 0.033%; 1 homozygote.

Submissions (4):

Women's Health and Genetics/Laboratory Corporation of America, LabCorp
Classification: Uncertain significance. Last evaluated: 2025-07-01. Review status: criteria provided, single submitter. Criteria: LabCorp Variant Classification Summary - May 2015. Collection method: clinical testing. Allele origin: germline.
Comment: Variant summary: LOXHD1 c.1562A>G (p.Asn521Ser) results in a conservative amino acid change in the encoded protein sequence. Algorithms developed to predict the effect of missense changes on protein structure and function all suggest that this variant is likely to be tolerated. The variant allele was found at a frequency of 8.1e-05 in 160676 control chromosomes in the gnomAD database, including 1 homozygotes. This frequency is not significantly higher than estimated for a pathogenic variant in LOXHD1 causing Nonsyndromic Hearing Loss And Deafness, Type 77 (8.1e-05 vs 0.0011), allowing no conclusion about variant significance. To our knowledge, no occurrence of c.1562A>G in individuals affected with Nonsyndromic Hearing Loss And Deafness, Type 77 and no experimental evidence demonstrating its impact on protein function have been reported. ClinVar contains an entry for this variant (Variation ID: 1437596). Based on the evidence outlined above, the variant was classified as uncertain significance.

Labcorp Genetics (formerly Invitae), Labcorp
Classification: Uncertain significance. Last evaluated: 2025-01-23. Review status: criteria provided, single submitter. Criteria: Invitae Variant Classification Sherloc (09022015). Collection method: clinical testing. Allele origin: germline.
Comment: This sequence change replaces asparagine, which is neutral and polar, with serine, which is neutral and polar, at codon 521 of the LOXHD1 protein (p.Asn521Ser). This variant is present in population databases (rs556312555, gnomAD 0.03%), including at least one homozygous and/or hemizygous individual. This variant has not been reported in the literature in individuals affected with LOXHD1-related conditions. ClinVar contains an entry for this variant (Variation ID: 1437596). An algorithm developed to predict the effect of missense changes on protein structure and function (PolyPhen-2) suggests that this variant¬†is likely to be tolerated. In summary, the available evidence is currently insufficient to determine the role of this variant in disease. Therefore, it has been classified as a Variant of Uncertain Significance.

Mayo Clinic Laboratories, Mayo Clinic
Classification: Uncertain significance. Last evaluated: 2022-04-12. Review status: criteria provided, single submitter. Criteria: ACMG Guidelines, 2015. Collection method: clinical testing. Allele origin: germline. Observed: 1 variant allele.
Comment: BP4, BP5, PM2_supporting

Fulgent Genetics
Classification: Uncertain significance for Autosomal recessive nonsyndromic hearing loss 77. Last evaluated: 2021-09-27. Review status: criteria provided, single submitter. Criteria: ACMG Guidelines, 2015. Collection method: clinical testing. Allele origin: unknown.